The following is an entry in ClinVar:

ClinVar aggregate classification (germline): Uncertain significance. Review status: criteria provided, multiple submitters, no conflicts (2 of 4 stars). 4 submissions from 4 submitters: Uncertain significance (4). Last evaluated 2025-09-09.

Conditions:
Hereditary cancer-predisposing syndrome. Also called: Hereditary Cancer Syndrome; Tumor predisposition; Neoplastic Syndromes, Hereditary; Hereditary neoplastic syndrome. Identifiers: Orphanet 140162, MedGen C0027672, MeSH D009386, MONDO:0015356.
Hereditary pheochromocytoma and paraganglioma. Also called: Hereditary pheochromocytoma-paraganglioma; Hereditary paragangliomas and pheochromocytomas; Hereditary Paraganglioma-Pheochromocytoma Syndromes. Identifiers: Orphanet 29072, MedGen C4274332, MONDO:0017366.

Allele frequency attached by ClinVar (database versions not stated): TOPMed 0.00001.

Submissions (4):

Color Diagnostics, LLC DBA Color Health
Classification: Uncertain significance for Hereditary pheochromocytoma and paraganglioma. Last evaluated: 2025-09-09. Review status: criteria provided, single submitter. Criteria: ACMG Guidelines, 2015. Collection method: clinical testing. Allele origin: germline.
Comment: This variant causes a C to G nucleotide substitution at the -4 position in the 5' untranslated region of the SDHD gene. To our knowledge, functional studies have not been reported for this variant. This variant has not been reported in individuals affected with SDHD-related disorders in the literature. This variant has not been identified in the general population by the Genome Aggregation Database (gnomAD). The available evidence is insufficient to determine the role of this variant in disease conclusively. Therefore, this variant is classified as a Variant of Uncertain Significance.

Quest Diagnostics Nichols Institute San Juan Capistrano
Classification: Uncertain significance. Last evaluated: 2025-04-25. Review status: criteria provided, single submitter. Criteria: Quest Diagnostics criteria. Collection method: clinical testing. Allele origin: unknown.
Comment: The SDHD c.-4C>G variant has not been reported in individuals with SDHD-related conditions in the published literature. The frequency of this variant in the general population (Genome Aggregation Database) is uninformative in the assessment of its pathogenicity. Analysis of this variant using software algorithms for the prediction of the effect of nucleotide changes on splicing yielded predictions that this variant does not affect SDHD mRNA splicing. Based on the available information, we are unable to determine the clinical significance of this variant.

Ambry Genetics
Classification: Uncertain significance for Hereditary cancer-predisposing syndrome. Last evaluated: 2024-10-22. Review status: criteria provided, single submitter. Criteria: Ambry Variant Classification Scheme 2023. Collection method: clinical testing. Allele origin: germline.
Comment: The c.-4C>G variant is located in the 5' untranslated region (5&rsquo; UTR) of the SDHD gene. This variant results from a C to G substitution 4 bases upstream from the first translated codon. This nucleotide position is well conserved in available vertebrate species. Since supporting evidence is limited at this time, the clinical significance of this alteration remains unclear.

GeneDx
Classification: Uncertain significance. Last evaluated: 2024-10-04. Review status: criteria provided, single submitter. Criteria: GeneDx Variant Classification Process June 2021. Collection method: clinical testing. Allele origin: germline. Affected: yes.
Comment: Not observed at significant frequency in large population cohorts (gnomAD); Nucleotide is not conserved across species and the substitution has no predicted effect on splicing; Has not been previously published as pathogenic or benign to our knowledge; Alters the Kozak sequence, which plays a major role in the initiation of translation

NM_003002.4(SDHD):c.-4C>G

Genes: SDHD (succinate dehydrogenase complex subunit D; plus strand), LOC126861339 (BRD4-independent group 4 enhancer GRCh37_chr11:111957035-111958234; plus strand). Cytogenetic location: 11q23.1.
Variant type: single nucleotide variant.
Coding change: c.-4C>G on transcript NM_003002.4 (MANE Select); 4 bases upstream of the start codon, C replaced by G.
Molecular consequence: 5 prime UTR variant. On other transcripts: non-coding transcript variant (1).
Genome position (GRCh38, 1-based): chr11:112,086,904, C>G. VCF-style: chr11-112086904-C-G. GRCh37 (hg19) VCF-style: chr11-111957628-C-G.
Other names: c.-4C>G (NM_001276503.2, NM_001276504.2, NM_001276506.2 and 1 more transcripts).
Identifiers: ClinVar variation 825357 (VCV000825357.9), dbSNP rs540552714, ClinGen allele CA671745044.
Genomic context (GRCh38, chr11:112,086,904, plus strand): 5'-TGGGTGGGAATTGTCGCCTAAGTGGTTCCGGGTTGGTGGATGACCTTGAGCCCTCAGGAA[C>G]GAGATGGCGGTTCTCTGGAGGCTGAGTGCCGTTTGCGGTGCCCTAGGAGGCCGAGGTGAG-3'